The following is an entry in ClinVar:

NM_015141.4(GPD1L):c.44A>G (p.Asn15Ser)

Genes: GPD1L (glycerol-3-phosphate dehydrogenase 1 like; plus strand), LOC129936414 (ATAC-STARR-seq lymphoblastoid silent region 14165; plus strand). Cytogenetic location: 3p22.3.
Variant type: single nucleotide variant.
Coding change: c.44A>G on transcript NM_015141.4 (MANE Select); coding-DNA position 44, A replaced by G.
Protein change: p.Asn15Ser; replaces asparagine 15 with serine.
Molecular consequence: missense variant.
Genome position (GRCh38, 1-based): chr3:32,106,755, A>G. VCF-style: chr3-32106755-A-G. GRCh37 (hg19) VCF-style: chr3-32148247-A-G.
Other names: short protein forms N15S.
Identifiers: ClinVar variation 2911905 (VCV002911905.1), dbSNP rs1023071144, ClinGen allele CA72542913.

ClinVar aggregate classification (germline): Uncertain significance (1 of 4 stars; one submission).

Conditions:
Brugada syndrome. Also called: Sudden unexplained nocturnal death syndrome; Sudden unexpected nocturnal death syndrome; Sudden Unexplained Nocturnal Death Syndrome (SUNDS); Sudden Unexplained Death Syndrome. Identifiers: Orphanet 130, MedGen C1142166, MONDO:0015263.

Allele frequency attached by ClinVar (database versions not stated): gnomAD exomes below 0.00001; TOPMed below 0.00001; gnomAD 0.00001.
gnomAD v4.1: 4 of 1,556,660 alleles (0.00026%); highest among the groups gnomAD compares: Non-Finnish European, 0.00035%; no homozygotes.

Submission:

Labcorp Genetics (formerly Invitae), Labcorp
Classification: Uncertain significance for Brugada syndrome. Last evaluated: 2023-12-13. Review status: criteria provided, single submitter. Criteria: Invitae Variant Classification Sherloc (09022015). Collection method: clinical testing. Allele origin: germline.
Comment: This sequence change replaces asparagine, which is neutral and polar, with serine, which is neutral and polar, at codon 15 of the GPD1L protein (p.Asn15Ser). This variant is not present in population databases (gnomAD no frequency). This variant has not been reported in the literature in individuals affected with GPD1L-related conditions. Advanced modeling of protein sequence and biophysical properties (such as structural, functional, and spatial information, amino acid conservation, physicochemical variation, residue mobility, and thermodynamic stability) performed at Invitae indicates that this missense variant is not expected to disrupt GPD1L protein function with a negative predictive value of 80%. In summary, the available evidence is currently insufficient to determine the role of this variant in disease. Therefore, it has been classified as a Variant of Uncertain Significance.